The following is an entry in ClinVar:

NM_000535.7(PMS2):c.943C>G (p.Arg315Gly)

Gene: PMS2 (PMS1 homolog 2, mismatch repair system component; minus strand). Cytogenetic location: 7p22.1.
Variant type: single nucleotide variant.
Coding change: c.943C>G on transcript NM_000535.7 (MANE Select); coding-DNA position 943, C replaced by G.
Protein change: p.Arg315Gly; replaces arginine 315 with glycine.
Molecular consequence: missense variant. On other transcripts: non-coding transcript variant (1).
Genome position (GRCh38, 1-based): chr7:5,992,018, G>C on the plus strand (C>G on the coding strand, the complement: PMS2 is on the minus strand). VCF-style: chr7-5992018-G-C. GRCh37 (hg19) VCF-style: chr7-6031649-G-C.
Other names: c.943C>G (NM_000535.5); c.538C>G, p.Arg180Gly (NM_001322003.2, NM_001322004.2, NM_001322005.2 and 2 more transcripts); c.943C>G, p.Arg315Gly (NM_001322006.2, NM_001322014.2); c.625C>G, p.Arg209Gly (NM_001322007.2, NM_001322008.2); c.10C>G, p.Arg4Gly (NM_001322011.2, NM_001322012.2); c.370C>G, p.Arg124Gly (NM_001322013.2); c.634C>G, p.Arg212Gly (NM_001322015.2); short protein forms R180G, R212G, R4G, R124G, R209G, R315G.
Identifiers: ClinVar variation 1361765 (VCV001361765.9), dbSNP rs200640585, ClinGen allele CA366743146.

ClinVar aggregate classification (germline): Uncertain significance. Review status: criteria provided, multiple submitters, no conflicts (2 of 4 stars). 2 submissions from 2 submitters: Uncertain significance (2). Last evaluated 2025-09-25.

Conditions:
Hereditary cancer-predisposing syndrome. Also called: Tumor predisposition; Hereditary neoplastic syndrome; Neoplastic Syndromes, Hereditary; Hereditary Cancer Syndrome. Identifiers: Orphanet 140162, MedGen C0027672, MeSH D009386, MONDO:0015356.
Hereditary nonpolyposis colorectal neoplasms. Identifiers: MedGen C0009405, MeSH D003123.

Submissions (2):

Ambry Genetics
Classification: Uncertain significance for Hereditary cancer-predisposing syndrome. Last evaluated: 2025-09-25. Review status: criteria provided, single submitter. Criteria: Ambry Variant Classification Scheme 2023. Collection method: clinical testing. Allele origin: germline.
Comment: The p.R315G variant (also known as c.943C>G), located in coding exon 9 of the PMS2 gene, results from a C to G substitution at nucleotide position 943. The arginine at codon 315 is replaced by glycine, an amino acid with dissimilar properties. This amino acid position is highly conserved in available vertebrate species. In addition, the in silico prediction for this alteration is inconclusive. Based on the available evidence, the clinical significance of this variant remains unclear.

Labcorp Genetics (formerly Invitae), Labcorp
Classification: Uncertain significance for Hereditary nonpolyposis colorectal neoplasms. Last evaluated: 2025-05-26. Review status: criteria provided, single submitter. Criteria: Invitae Variant Classification Sherloc (09022015). Collection method: clinical testing. Allele origin: germline.
Comment: This sequence change replaces arginine, which is basic and polar, with glycine, which is neutral and non-polar, at codon 315 of the PMS2 protein (p.Arg315Gly). This variant is not present in population databases (gnomAD no frequency). This variant has not been reported in the literature in individuals affected with PMS2-related conditions. ClinVar contains an entry for this variant (Variation ID: 1361765). Invitae Evidence Modeling incorporating data from in vitro experimental studies (internal data) indicates that this missense variant is not expected to disrupt PMS2 function with a negative predictive value of 95%. In summary, the available evidence is currently insufficient to determine the role of this variant in disease. Therefore, it has been classified as a Variant of Uncertain Significance.